The following is an entry in ClinVar:

NM_005159.5(ACTC1):c.455G>T (p.Gly152Val)

Genes: ACTC1 (actin alpha cardiac muscle 1; minus strand), GJD2-DT (GJD2 divergent transcript; plus strand). Cytogenetic location: 15q14.
Variant type: single nucleotide variant.
Coding change: c.455G>T on transcript NM_005159.5 (MANE Select); coding-DNA position 455, G replaced by T.
Protein change: p.Gly152Val; replaces glycine 152 with valine.
Molecular consequence: missense variant.
Genome position (GRCh38, 1-based): chr15:34,792,569, C>A on the plus strand (G>T on the coding strand, the complement: ACTC1 is on the minus strand). VCF-style: chr15-34792569-C-A. GRCh37 (hg19) VCF-style: chr15-35084770-C-A.
Other names: c.455G>T, p.Gly152Val (NM_001406482.1, NM_001406483.1); c.320G>T, p.Gly107Val (NM_001406484.1); c.14G>T, p.Cys5Phe (NM_001406485.1); short protein forms C5F, G107V, G152V.
Identifiers: ClinVar variation 1719764 (VCV001719764.5), dbSNP rs1891726522, ClinGen allele CA391631189.

ClinVar aggregate classification (germline): Uncertain significance (1 of 4 stars; one submission).

Conditions:
Dilated cardiomyopathy 1R (CMD1R). Identifiers: Orphanet 154, Orphanet 54260, MedGen C3150681, MONDO:0013261, OMIM 613424.
Atrial septal defect 5 (ASD5). Identifiers: Orphanet 1478, MedGen C2748552, MONDO:0013011, OMIM 612794.
Hypertrophic cardiomyopathy 11. Also called: ACTC1-Related Familial Hypertrophic Cardiomyopathy. Identifiers: MedGen C2677506, MONDO:0012799, OMIM 612098.

Submission:

Labcorp Genetics (formerly Invitae), Labcorp
Classification: Uncertain significance for Dilated cardiomyopathy 1R; Hypertrophic cardiomyopathy 11; Atrial septal defect 5. Last evaluated: 2025-10-27. Review status: criteria provided, single submitter. Criteria: Invitae Variant Classification Sherloc (09022015). Collection method: clinical testing. Allele origin: germline.
Comment: This sequence change replaces glycine, which is neutral and non-polar, with valine, which is neutral and non-polar, at codon 152 of the ACTC1 protein (p.Gly152Val). This variant is not present in population databases (gnomAD no frequency). This variant has not been reported in the literature in individuals affected with ACTC1-related conditions. ClinVar contains an entry for this variant (Variation ID: 1719764). An algorithm developed to predict the effect of missense changes on protein structure and function (PolyPhen-2) suggests that this variant is likely to be disruptive. In summary, the available evidence is currently insufficient to determine the role of this variant in disease. Therefore, it has been classified as a Variant of Uncertain Significance.